The following is an entry in ClinVar:

ClinVar aggregate classification (germline): Uncertain significance (1 of 4 stars; one submission).

Conditions:
Desmin-related myofibrillar myopathy (MFM1). Also called: Desminopathy; Myofibrillar myopathy 1; MYOFIBRILLAR MYOPATHY WITH ARRHYTHMOGENIC RIGHT VENTRICULAR CARDIOMYOPATHY; DESMIN-RELATED MYOPATHY WITH ARRHYTHMOGENIC RIGHT VENTRICULAR CARDIOMYOPATHY; Desmin related myopathy (former name); Desmin storage myopathy (former name). Identifiers: Orphanet 363543, Orphanet 98909, MedGen C1832370, MONDO:0011076, OMIM 601419.

Allele frequency attached by ClinVar (database versions not stated): TOPMed below 0.00001.
gnomAD v4.1: 1 of 1,555,416 alleles (0.000064%); highest among the groups gnomAD compares: African/African-American, 0.0014%; no homozygotes.

Submission:

Labcorp Genetics (formerly Invitae), Labcorp
Classification: Uncertain significance for Desmin-related myofibrillar myopathy. Last evaluated: 2022-01-16. Review status: criteria provided, single submitter. Criteria: Invitae Variant Classification Sherloc (09022015). Collection method: clinical testing. Allele origin: germline.
Comment: This sequence change replaces glutamic acid, which is acidic and polar, with valine, which is neutral and non-polar, at codon 167 of the DES protein (p.Glu167Val). This variant is not present in population databases (gnomAD no frequency). This variant has not been reported in the literature in individuals affected with DES-related conditions. Algorithms developed to predict the effect of missense changes on protein structure and function are either unavailable or do not agree on the potential impact of this missense change (SIFT: "Deleterious"; PolyPhen-2: "Possibly Damaging"; Align-GVGD: "Class C0"). In summary, the available evidence is currently insufficient to determine the role of this variant in disease. Therefore, it has been classified as a Variant of Uncertain Significance.

NM_001927.4(DES):c.500A>T (p.Glu167Val)

Gene: DES (desmin; plus strand). Cytogenetic location: 2q35.
Variant type: single nucleotide variant.
Coding change: c.500A>T on transcript NM_001927.4 (MANE Select); coding-DNA position 500, A replaced by T.
Protein change: p.Glu167Val; replaces glutamic acid 167 with valine.
Molecular consequence: missense variant. On other transcripts: intron variant (1).
Genome position (GRCh38, 1-based): chr2:219,418,962, A>T. VCF-style: chr2-219418962-A-T. GRCh37 (hg19) VCF-style: chr2-220283684-A-T.
Other names: c.500A>T, p.Glu167Val (NM_001382708.1, NM_001382709.1, NM_001382710.1 and 2 more transcripts); c.495+5A>T (NM_001382713.1); short protein forms E167V.
Identifiers: ClinVar variation 1980661 (VCV001980661.4), dbSNP rs1575013470, ClinGen allele CA350686694.